The following is an entry in ClinVar:

NM_001371623.1(TCOF1):c.142del (p.Asp48fs)

Gene: TCOF1 (treacle ribosome biogenesis factor 1; plus strand). Cytogenetic location: 5q32.
Variant type: Deletion.
Coding change: c.142del on transcript NM_001371623.1 (MANE Select); coding-DNA position 142, one base deleted (G; older notation c.142delG).
Protein change: p.Asp48fs; shifts the reading frame from aspartic acid 48.
Molecular consequence: frameshift variant.
Genome position (GRCh38, 1-based): chr5:150,361,189, G deleted; the last of 2 consecutive G bases (chr5:150,361,188-150,361,189); deleting either gives the same sequence. VCF-style (leftmost placement, unchanged base first): chr5-150361187-TG-T. GRCh37 (hg19) VCF-style: chr5-149740750-TG-T.
Other names: c.142del, p.Asp48fs (NM_000356.4, NM_001008657.3, NM_001135243.2 and 3 more transcripts); short protein forms D48fs.
Identifiers: ClinVar variation 2444356 (VCV002444356.1), dbSNP rs2532677253, ClinGen allele CA2580073879.

ClinVar aggregate classification (germline): Likely pathogenic (1 of 4 stars; one submission).

Conditions:
Treacher Collins syndrome 1 (TCS1). Also called: TCOF1-Related Treacher Collins Syndrome. Identifiers: Orphanet 861, MedGen CN315775, MONDO:0007944, OMIM 154500.

Submission:

3billion
Classification: Likely pathogenic for Treacher Collins syndrome 1. Last evaluated: 2023-02-23. Review status: criteria provided, single submitter. Criteria: ACMG Guidelines, 2015. Collection method: clinical testing. Allele origin: unknown. Affected: yes.
Comment: The variant is not observed in the gnomAD v2.1.1 dataset. This variant was predicted to result in a loss or disruption of normal protein function through nonsense-mediated decay (NMD) or protein truncation. Multiple pathogenic variants are reported downstream of the variant. Therefore, this variant is classified as Likely pathogenic according to the recommendation of ACMG/AMP guideline.